The following is an entry in ClinVar:

NM_014319.5(LEMD3):c.277C>T (p.Pro93Ser)

Genes: LEMD3 (LEM domain containing 3; plus strand), LOC130008224 (ATAC-STARR-seq lymphoblastoid silent region 4630; plus strand). Cytogenetic location: 12q14.3.
Variant type: single nucleotide variant.
Coding change: c.277C>T on transcript NM_014319.5 (MANE Select); coding-DNA position 277, C replaced by T.
Protein change: p.Pro93Ser; replaces proline 93 with serine.
Molecular consequence: missense variant.
Genome position (GRCh38, 1-based): chr12:65,169,873, C>T. VCF-style: chr12-65169873-C-T. GRCh37 (hg19) VCF-style: chr12-65563653-C-T.
Other names: c.277C>T, p.Pro93Ser (NM_001167614.2); short protein forms P93S.
Identifiers: ClinVar variation 2837942 (VCV002837942.3), dbSNP rs1868458096, ClinGen allele CA385672405.

ClinVar aggregate classification (germline): Uncertain significance (1 of 4 stars; one submission).

Allele frequency attached by ClinVar (database versions not stated): gnomAD exomes below 0.00001; gnomAD 0.00001.

Submission:

Labcorp Genetics (formerly Invitae), Labcorp
Classification: Uncertain significance. Last evaluated: 2023-10-20. Review status: criteria provided, single submitter. Criteria: Invitae Variant Classification Sherloc (09022015). Collection method: clinical testing. Allele origin: germline.
Comment: This sequence change replaces proline, which is neutral and non-polar, with serine, which is neutral and polar, at codon 93 of the LEMD3 protein (p.Pro93Ser). This variant is not present in population databases (gnomAD no frequency). This variant has not been reported in the literature in individuals affected with LEMD3-related conditions. An algorithm developed to predict the effect of missense changes on protein structure and function (PolyPhen-2) suggests that this variant is likely to be tolerated. In summary, the available evidence is currently insufficient to determine the role of this variant in disease. Therefore, it has been classified as a Variant of Uncertain Significance.